The following is an entry in ClinVar:

ClinVar aggregate classification (germline): Conflicting classifications of pathogenicity. Review status: criteria provided, conflicting classifications (1 of 4 stars). 2 submissions from 2 submitters: Uncertain significance (1); Likely benign (1). Last evaluated 2025-05-19.

Conditions:
Hereditary cancer-predisposing syndrome. Also called: Hereditary neoplastic syndrome; Neoplastic Syndromes, Hereditary; Hereditary Cancer Syndrome; Tumor predisposition. Identifiers: Orphanet 140162, MedGen C0027672, MeSH D009386, MONDO:0015356.
Tuberous sclerosis 1 (TSC1). Identifiers: Orphanet 805, MedGen C1854465, MONDO:0008612, OMIM 191100.

Allele frequency attached by ClinVar (database versions not stated): gnomAD exomes below 0.00001; TOPMed below 0.00001.
gnomAD v4.1: 5 of 1,613,592 alleles (0.00031%); highest among the groups gnomAD compares: Non-Finnish European, 0.00042%; no homozygotes.

Submissions (2):

Labcorp Genetics (formerly Invitae), Labcorp
Classification: Likely benign for Tuberous sclerosis 1. Last evaluated: 2025-05-19. Review status: criteria provided, single submitter. Criteria: Invitae Variant Classification Sherloc (09022015). Collection method: clinical testing. Allele origin: germline.

Ambry Genetics
Classification: Uncertain significance for Hereditary cancer-predisposing syndrome. Last evaluated: 2024-02-22. Review status: criteria provided, single submitter. Criteria: Ambry Variant Classification Scheme 2023. Collection method: clinical testing. Allele origin: germline.
Comment: The c.2392-5G>A intronic variant results from a G to A substitution 5 nucleotides upstream from coding exon 17 in the TSC1 gene. This nucleotide position is not well conserved in available vertebrate species. In silico splice site analysis for this alteration is inconclusive. Direct RNA evidence is insufficient at this time (Ambry internal data). Since supporting evidence is limited at this time, the clinical significance of this alteration remains unclear.

NM_000368.5(TSC1):c.2392-5G>A

Gene: TSC1 (TSC complex subunit 1; minus strand). Cytogenetic location: 9q34.13.
Variant type: single nucleotide variant.
Coding change: c.2392-5G>A on transcript NM_000368.5 (MANE Select); 5 bases into the intron before coding-DNA position 2392, G replaced by A.
Molecular consequence: intron variant.
Genome position (GRCh38, 1-based): chr9:132,901,704, C>T on the plus strand (G>A on the coding strand, the complement: TSC1 is on the minus strand). VCF-style: chr9-132901704-C-T. GRCh37 (hg19) VCF-style: chr9-135777091-C-T.
Other names: c.2029-5G>A (NM_001362177.2); c.2239-5G>A (NM_001162427.2); c.2389-5G>A (NM_001162426.2).
Identifiers: ClinVar variation 573572 (VCV000573572.11), dbSNP rs1463016849, ClinGen allele CA860668820.